The following is an entry in ClinVar:

NM_003998.4(NFKB1):c.945_949delinsTGG (p.Lys315fs)

Gene: NFKB1 (nuclear factor kappa B subunit 1; plus strand). Cytogenetic location: 4q24.
Variant type: Indel.
Coding change: c.945_949delinsTGG on transcript NM_003998.4 (MANE Select); coding-DNA positions 945 to 949, AACTC replaced by TGG.
Protein change: p.Lys315fs; shifts the reading frame from lysine 315.
Molecular consequence: frameshift variant.
Genome position (GRCh38, 1-based): chr4:102,584,699-102,584,703, AACTC replaced by TGG. VCF-style: chr4-102584699-AACTC-TGG. GRCh37 (hg19) VCF-style: chr4-103505856-AACTC-TGG.
Other names: c.942_946delinsTGG, p.Lys314fs (NM_001165412.2, NM_001319226.2, NM_001382627.1); c.945_949delinsTGG, p.Lys315fs (NM_001382625.1, NM_001382626.1); c.903_907delinsTGG, p.Lys301fs (NM_001382628.1); short protein forms K301fs, K314fs, K315fs.
Identifiers: ClinVar variation 2630633 (VCV002630633.1), dbSNP rs2476446922, ClinGen allele CA2695198506.

ClinVar aggregate classification (germline): Likely pathogenic (1 of 4 stars; one submission).

Conditions:
NFKB1-related disorder. Also called: NFKB1-related condition.

Submission:

PreventionGenetics, part of Exact Sciences
Classification: Likely pathogenic for NFKB1-related condition. Last evaluated: 2023-01-25. Review status: criteria provided, single submitter. Criteria: ACMG Guidelines, 2015. Collection method: clinical testing. Allele origin: germline.
Comment: The NFKB1 c.945_949delinsTGG variant is predicted to result in a frameshift and premature protein termination (p.Lys315Asnfs*5). To our knowledge, this variant has not been reported in the literature or in a large population database, indicating this variant is rare. Frameshift variants in NFKB1 are expected to be pathogenic. This variant is interpreted as likely pathogenic.